The following is an entry in ClinVar:

NM_000132.4(F8):c.1015A>G (p.Met339Val)

Gene: F8 (coagulation factor VIII; minus strand). Cytogenetic location: Xq28.
Variant type: single nucleotide variant.
Coding change: c.1015A>G on transcript NM_000132.4 (MANE Select); coding-DNA position 1015, A replaced by G.
Protein change: p.Met339Val; replaces methionine 339 with valine.
Molecular consequence: missense variant.
Genome position (GRCh38, 1-based): chrX:154,966,682, T>C on the plus strand (A>G on the coding strand, the complement: F8 is on the minus strand). VCF-style: chrX-154966682-T-C. GRCh37 (hg19) VCF-style: chrX-154194957-T-C.
Other names: short protein forms M339V.
Identifiers: ClinVar variation 3769060 (VCV003769060.1).
Genomic context (GRCh38, chrX:154,966,682, plus strand): 5'-TATTTTTCATTCGTAGTTGGGGTTCCTCTGGACAGCTGTCTACTTTGACATAAGCTTCCA[T>C]GCCATCTGGAGTCAGACAAACCAAACAATGTCAGAGTGTCTTGCTATATTAGGCTGTTCT-3'
Protein context (NP_000123.1, residues 329-349): CHISSHQHDG[Met339Val]EAYVKVDSCP

ClinVar aggregate classification (germline): Pathogenic (1 of 4 stars; one submission).

Conditions:
Hereditary factor VIII deficiency disease (HEMA). Also called: HEMOPHILIA, CLASSIC; AUTOSOMAL HEMOPHILIA A; Hemophilia A; Hemophilia A, congenital; HEM A; Factor 8 deficiency, congenital. Identifiers: Orphanet 98878, MedGen C0019069, MONDO:0010602, OMIM 306700.

Submission:

Women's Health and Genetics/Laboratory Corporation of America, LabCorp
Classification: Pathogenic for Hereditary factor VIII deficiency disease. Last evaluated: 2025-02-13. Review status: criteria provided, single submitter. Criteria: LabCorp Variant Classification Summary - May 2015. Collection method: clinical testing. Allele origin: germline.
Comment: Variant summary: F8 c.1015A>G (p.Met339Val) results in a conservative amino acid change in the encoded protein sequence. Four of five in-silico tools predict a damaging effect of the variant on protein function. The variant was absent in 182555 control chromosomes. c.1015A>G has been reported in the literature in multiple individuals affected with Factor VIII Deficiency (Hemophilia A) (e.g. Xue_2010, Gouw_2011, Miller_2012, Atik_2020). These data indicate that the variant is very likely to be associated with disease. To our knowledge, no experimental evidence demonstrating an impact on protein function has been reported. The following publications have been ascertained in the context of this evaluation (PMID: 32026663, 21070499, 22103590, 20528906). No submitters have cited clinical-significance assessments for this variant to ClinVar. Based on the evidence outlined above, the variant was classified as pathogenic.

Literature cited by the submitters: PubMed 22103590; PubMed 20528906; PubMed 32026663; PubMed 21070499.